The following is an entry in ClinVar:

NM_001379210.1(SLC25A26):c.508_513del (p.Ser170_Trp171del)

Gene: SLC25A26 (solute carrier family 25 member 26; plus strand). Cytogenetic location: 3p14.1.
Variant type: Deletion.
Coding change: c.508_513del on transcript NM_001379210.1 (MANE Select); coding-DNA positions 508 to 513, 6 bases deleted (TCCTGG; older notation c.508_513delTCCTGG).
Protein change: p.Ser170_Trp171del.
Molecular consequence: non-coding transcript variant (on NR_028475.1).
Genome position (GRCh38, 1-based): chr3:66,362,869-66,362,874, TCCTGG deleted; deleting any 6 consecutive bases within chr3:66,362,865-66,362,874 gives the same sequence; the c. name uses the placement nearest the transcript's 3' end. VCF-style (leftmost placement, unchanged base first): chr3-66362864-TCTGGTC-T. GRCh37 (hg19) VCF-style: chr3-66413288-TCTGGTC-T.
Other names: p.Ser170_Trp171del; c.244_249del, p.Ser82_Trp83del (NM_001164796.1, NM_001350993.1, NM_001400709.1 and 1 more transcripts); c.508_513del, p.Ser170_Trp171del (NM_001400705.1, NM_173471.4); c.463_468del, p.Ser155_Trp156del (NM_001400707.1); c.199_204del, p.Ser67_Trp68del (NM_001400714.1).
Identifiers: ClinVar variation 3379474 (VCV003379474.1).
Genomic context (GRCh38, chr3:66,362,864, plus strand): 5'-GTTCCGATAAATTCAAATATTTAATAACTTGTATTTTTCTTTCTCCTTAAACACAGGCCC[TCTGGTC>T]CTGGAGGCAGGATCATGTGGTGGATTCTTGGCAGTCAGCAGTCTGTGGAGCTTTTGCAGG-3'

ClinVar aggregate classification (germline): Uncertain significance (1 of 4 stars; one submission).

Submission:

Mayo Clinic Laboratories, Mayo Clinic
Classification: Uncertain significance. Last evaluated: 2024-01-19. Review status: criteria provided, single submitter. Criteria: ACMG Guidelines, 2015. Collection method: clinical testing. Allele origin: germline. Observed: 1 variant allele.
Comment: PM4